The following is an entry in ClinVar:

ClinVar aggregate classification (germline): Conflicting classifications of pathogenicity. Review status: criteria provided, conflicting classifications (1 of 4 stars). 3 submissions from 3 submitters: Uncertain significance (2); Likely benign (1). Last evaluated 2024-11-26.

Conditions:
Autosomal recessive nonsyndromic hearing loss 3. Also called: NEUROSENSORY NONSYNDROMIC RECESSIVE DEAFNESS 3. Identifiers: Orphanet 90636, MedGen C1838263, MONDO:0010860, OMIM 600316.

Allele frequency attached by ClinVar (database versions not stated): gnomAD 0.00001; gnomAD exomes 0.00002 and 0.00005; TOPMed 0.00002; 1000 Genomes Project 30x 0.00016.
gnomAD v4.1: 25 of 1,506,874 alleles (0.0017%); highest among the groups gnomAD compares: East Asian, 0.046%; no homozygotes.

Submissions (3):

GeneDx
Classification: Uncertain significance. Last evaluated: 2024-11-26. Review status: criteria provided, single submitter. Criteria: GeneDx Variant Classification Process June 2021. Collection method: clinical testing. Allele origin: germline. Affected: yes.
Comment: In silico analysis indicates that this missense variant does not alter protein structure/function; Has not been previously published as pathogenic or benign to our knowledge

Labcorp Genetics (formerly Invitae), Labcorp
Classification: Likely benign. Last evaluated: 2024-01-31. Review status: criteria provided, single submitter. Criteria: Invitae Variant Classification Sherloc (09022015). Collection method: clinical testing. Allele origin: germline.

Illumina Laboratory Services, Illumina
Classification: Uncertain significance for Autosomal recessive nonsyndromic hearing loss 3. Last evaluated: 2018-01-12. Review status: criteria provided, single submitter. Criteria: ICSL Variant Classification Criteria 13 December 2019. Collection method: clinical testing. Allele origin: germline.

NM_016239.4(MYO15A):c.2200G>A (p.Asp734Asn)

Gene: MYO15A (myosin XVA; plus strand). Cytogenetic location: 17p11.2.
Variant type: single nucleotide variant.
Coding change: c.2200G>A on transcript NM_016239.4 (MANE Select); coding-DNA position 2200, G replaced by A.
Protein change: p.Asp734Asn; replaces aspartic acid 734 with asparagine.
Molecular consequence: missense variant.
Genome position (GRCh38, 1-based): chr17:18,121,000, G>A. VCF-style: chr17-18121000-G-A. GRCh37 (hg19) VCF-style: chr17-18024314-G-A.
Other names: short protein forms D734N.
Identifiers: ClinVar variation 891200 (VCV000891200.8), dbSNP rs1435631082, ClinGen allele CA398581400.
Genomic context (GRCh38, chr17:18,121,000, plus strand): 5'-CCGCAGGCCAGCTGGTGGGCCTTCGTGGAGCCCCCTGCCGTGAGCCCGGAGGTGCCCCCC[G>A]ACCTACTAGCCTTCCCAGGGCCCCGACCCTCGTTCAGGGGCTCCCGCCGGAGAGGGGCGG-3'
Protein context (NP_057323.3, residues 724-744): PPAVSPEVPP[Asp734Asn]LLAFPGPRPS